The following is an entry in ClinVar:

ClinVar aggregate classification (germline): Likely benign. Review status: criteria provided, multiple submitters, no conflicts (2 of 4 stars). 6 submissions from 5 submitters: Likely benign (5). 1 of the submissions does not count toward it. Last evaluated 2025-12-31.

Conditions:
SOS1-related disorder. Also called: SOS1-related condition.
Cardiovascular phenotype. Identifiers: MedGen CN230736.
Fibromatosis, gingival, 1 (GINGF1). Identifiers: Orphanet 2024, MedGen C4551558, MONDO:0007609, OMIM 135300.
RASopathy. Also called: Noonan spectrum disorder; rasopathies. Identifiers: Orphanet 536391, MedGen C5555857, MONDO:0021060.
Noonan syndrome 4 (NS4). Also called: SOS1-Related Noonan Syndrome; NOONAN SYNDROME WITH PIGMENTED VILLONODULAR SYNOVITIS. Identifiers: Orphanet 648, MedGen C1853120, MONDO:0012547, OMIM 610733.

Allele frequency attached by ClinVar (database versions not stated): gnomAD exomes 0.00003; ExAC 0.00004; TOPMed 0.00016; gnomAD 0.00017 and 0.00018; 1000 Genomes Project 0.00040; 1000 Genomes Project 30x 0.00047.
gnomAD v4.1: 34 of 1,613,164 alleles (0.0021%); highest among the groups gnomAD compares: African/African-American, 0.044%; no homozygotes.

Submissions (6):

Labcorp Genetics (formerly Invitae), Labcorp
Classification: Likely benign for RASopathy. Last evaluated: 2025-12-31. Review status: criteria provided, single submitter. Criteria: Invitae Variant Classification Sherloc (09022015). Collection method: clinical testing. Allele origin: germline.

GeneDx
Classification: Likely benign. Last evaluated: 2020-01-27. Review status: criteria provided, single submitter. Criteria: GeneDx Variant Classification Process June 2021. Collection method: clinical testing. Allele origin: germline. Affected: yes.

Ambry Genetics
Classification: Likely benign for Cardiovascular phenotype. Last evaluated: 2019-11-08. Review status: criteria provided, single submitter. Criteria: Ambry Variant Classification Scheme 2023. Collection method: clinical testing. Allele origin: germline.

Genome-Nilou Lab
Classification: Likely benign for Noonan syndrome 4. Review status: criteria provided, single submitter. Criteria: ACMG Guidelines, 2015. Collection method: clinical testing. Allele origin: germline.

Genome-Nilou Lab
Classification: Likely benign for Fibromatosis, gingival, 1. Review status: criteria provided, single submitter. Criteria: ACMG Guidelines, 2015. Collection method: clinical testing. Allele origin: germline.

PreventionGenetics, part of Exact Sciences
Classification: Likely benign for SOS1-related condition. Last evaluated: 2022-06-11. Review status: no assertion criteria provided. Collection method: clinical testing. Allele origin: germline. Not counted in ClinVar's aggregate classification.
Comment: This variant is classified as likely benign based on ACMG/AMP sequence variant interpretation guidelines (Richards et al. 2015 PMID: 25741868, with internal and published modifications).

NM_005633.4(SOS1):c.1489C>A (p.Arg497=)

Gene: SOS1 (SOS Ras/Rac guanine nucleotide exchange factor 1; minus strand). Cytogenetic location: 2p22.1.
Variant type: single nucleotide variant.
Coding change: c.1489C>A on transcript NM_005633.4 (MANE Select); coding-DNA position 1489, C replaced by A.
Protein change: p.Arg497=; no amino-acid change (arginine 497 retained).
Molecular consequence: synonymous variant.
Genome position (GRCh38, 1-based): chr2:39,022,939, G>T on the plus strand (C>A on the coding strand, the complement: SOS1 is on the minus strand). VCF-style: chr2-39022939-G-T. GRCh37 (hg19) VCF-style: chr2-39250080-G-T.
Other names: c.1468C>A, p.Arg490= (NM_001382394.1); c.1489C>A, p.Arg497= (NM_001382395.1).
Identifiers: ClinVar variation 385157 (VCV000385157.17), dbSNP rs542368621, ClinGen allele CA1624594.